The following is an entry in ClinVar:

NM_004329.3(BMPR1A):c.785T>C (p.Val262Ala)

Gene: BMPR1A (bone morphogenetic protein receptor type 1A; plus strand). Cytogenetic location: 10q23.2.
Variant type: single nucleotide variant.
Coding change: c.785T>C on transcript NM_004329.3 (MANE Select); coding-DNA position 785, T replaced by C.
Protein change: p.Val262Ala; replaces valine 262 with alanine.
Molecular consequence: missense variant.
Genome position (GRCh38, 1-based): chr10:86,917,243, T>C. VCF-style: chr10-86917243-T-C. GRCh37 (hg19) VCF-style: chr10-88677000-T-C.
Other names: short protein forms V262A.
Identifiers: ClinVar variation 411617 (VCV000411617.29), dbSNP rs770830310, ClinGen allele CA5585606.

ClinVar aggregate classification (germline): Conflicting classifications of pathogenicity. Review status: criteria provided, conflicting classifications (1 of 4 stars). 8 submissions from 8 submitters: Uncertain significance (7); Likely benign (1). Last evaluated 2026-04-16.

Conditions:
Juvenile polyposis syndrome (JPS). Identifiers: Orphanet 2929, MedGen C0345893, MONDO:0017380, OMIM 174900.
Hereditary cancer-predisposing syndrome. Also called: Hereditary Cancer Syndrome; Tumor predisposition; Hereditary neoplastic syndrome; Neoplastic Syndromes, Hereditary. Identifiers: Orphanet 140162, MedGen C0027672, MeSH D009386, MONDO:0015356.

Submissions (8):

Ambry Genetics
Classification: Likely benign for Hereditary cancer-predisposing syndrome. Last evaluated: 2026-04-16. Review status: criteria provided, single submitter. Criteria: Ambry Variant Classification Scheme 2023. Collection method: clinical testing. Allele origin: germline.

Labcorp Genetics (formerly Invitae), Labcorp
Classification: Uncertain significance for Juvenile polyposis syndrome. Last evaluated: 2025-10-13. Review status: criteria provided, single submitter. Criteria: Invitae Variant Classification Sherloc (09022015). Collection method: clinical testing. Allele origin: germline.
Comment: This sequence change replaces valine, which is neutral and non-polar, with alanine, which is neutral and non-polar, at codon 262 of the BMPR1A protein (p.Val262Ala). This variant is not present in population databases (gnomAD no frequency). This variant has not been reported in the literature in individuals affected with BMPR1A-related conditions. ClinVar contains an entry for this variant (Variation ID: 411617). Invitae Evidence Modeling of protein sequence and biophysical properties (such as structural, functional, and spatial information, amino acid conservation, physicochemical variation, residue mobility, and thermodynamic stability) has been performed for this missense variant. However, the output from this modeling did not meet the statistical confidence thresholds required to predict the impact of this variant on BMPR1A protein function. In summary, the available evidence is currently insufficient to determine the role of this variant in disease. Therefore, it has been classified as a Variant of Uncertain Significance.

Color Diagnostics, LLC DBA Color Health
Classification: Uncertain significance for Hereditary cancer-predisposing syndrome. Last evaluated: 2024-03-06. Review status: criteria provided, single submitter. Criteria: ACMG Guidelines, 2015. Collection method: clinical testing. Allele origin: germline.
Comment: This missense variant replaces valine with alanine at codon 262 of the BMPR1A protein. Computational prediction suggests that this variant may have deleterious impact on protein structure and function (internally defined REVEL score threshold >= 0.7, PMID: 27666373). To our knowledge, functional studies have not been reported for this variant. This variant has not been reported in individuals affected with hereditary cancer in the literature. This variant has not been identified in the general population by the Genome Aggregation Database (gnomAD). The available evidence is insufficient to determine the role of this variant in disease conclusively. Therefore, this variant is classified as a Variant of Uncertain Significance.

All of Us Research Program, National Institutes of Health
Classification: Uncertain significance for Juvenile polyposis syndrome. Last evaluated: 2024-01-11. Review status: criteria provided, single submitter. Criteria: ACMG Guidelines, 2015. Collection method: clinical testing. Allele origin: germline. Inheritance: Autosomal dominant inheritance. Observed: 1 variant allele, 1 heterozygote.
Comment: This missense variant replaces valine with alanine at codon 262 of the BMPR1A protein. Computational prediction suggests that this variant may have deleterious impact on protein structure and function (internally defined REVEL score threshold >= 0.7, PMID: 27666373). To our knowledge, functional studies have not been reported for this variant. This variant has not been reported in individuals affected with hereditary cancer in the literature. This variant has not been identified in the general population by the Genome Aggregation Database (gnomAD). The available evidence is insufficient to determine the role of this variant in disease conclusively. Therefore, this variant is classified as a Variant of Uncertain Significance.

This study involves interpretation of variants in research participants for the purpose of population health screening. Participant phenotype was not available at the time of variant classification. Additional details can be found in publication PMID: 35346344, PMCID: PMC8962531

ARUP Laboratories, Molecular Genetics and Genomics, ARUP Laboratories
Classification: Uncertain significance. Last evaluated: 2023-10-16. Review status: criteria provided, single submitter. Criteria: ARUP Molecular Germline Variant Investigation Process 2024. Collection method: clinical testing. Allele origin: germline.
Comment: The BMPR1A c.785T>C; p.Val262Ala variant (rs770830310), to our knowledge, is not reported in the medical literature but is reported in ClinVar (Variation ID: 411617). This variant is also absent from the Genome Aggregation Database, indicating it is not a common polymorphism. Computational analyses predict that this variant is deleterious (REVEL: 0.9). However, given the lack of clinical and functional data, the significance of this variant is uncertain at this time.

GeneDx
Classification: Uncertain significance. Last evaluated: 2022-05-31. Review status: criteria provided, single submitter. Criteria: GeneDx Variant Classification Process June 2021. Collection method: clinical testing. Allele origin: germline. Affected: yes.
Comment: Not observed at significant frequency in large population cohorts (gnomAD); In silico analysis supports that this missense variant has a deleterious effect on protein structure/function; Has not been previously published as pathogenic or benign to our knowledge

Quest Diagnostics Nichols Institute San Juan Capistrano
Classification: Uncertain significance. Last evaluated: 2018-08-14. Review status: criteria provided, single submitter. Criteria: Quest Diagnostics criteria. Collection method: clinical testing. Allele origin: germline.

PreventionGenetics, part of Exact Sciences
Classification: Uncertain significance. Last evaluated: 2018-01-02. Review status: criteria provided, single submitter. Criteria: ACMG Guidelines, 2015. Collection method: clinical testing. Allele origin: germline.